The following is an entry in ClinVar:

ClinVar aggregate classification (germline): Uncertain significance. Review status: criteria provided, multiple submitters, no conflicts (2 of 4 stars). 2 submissions from 2 submitters: Uncertain significance (2). Last evaluated 2024-02-28.

Conditions:
Inborn genetic diseases. Identifiers: MedGen C0950123, MeSH D030342.
Vici syndrome (VICIS). Identifiers: Orphanet 1493, MedGen C1855772, MONDO:0009452, OMIM 242840.

Allele frequency attached by ClinVar (database versions not stated): gnomAD 0.00001; ExAC 0.00004.
gnomAD v4.1: 23 of 1,613,816 alleles (0.0014%); highest among the groups gnomAD compares: South Asian, 0.023%; 1 homozygote.

Submissions (2):

Ambry Genetics
Classification: Uncertain significance for Inborn genetic diseases. Last evaluated: 2024-02-28. Review status: criteria provided, single submitter. Criteria: Ambry Variant Classification Scheme 2023. Collection method: clinical testing. Allele origin: germline.

Labcorp Genetics (formerly Invitae), Labcorp
Classification: Uncertain significance for Vici syndrome. Last evaluated: 2022-04-12. Review status: criteria provided, single submitter. Criteria: Invitae Variant Classification Sherloc (09022015). Collection method: clinical testing. Allele origin: germline.
Comment: This sequence change replaces glutamic acid, which is acidic and polar, with lysine, which is basic and polar, at codon 1494 of the EPG5 protein (p.Glu1494Lys). This variant is present in population databases (rs771727510, gnomAD 0.02%). This variant has not been reported in the literature in individuals affected with EPG5-related conditions. Algorithms developed to predict the effect of missense changes on protein structure and function (SIFT, PolyPhen-2, Align-GVGD) all suggest that this variant is likely to be tolerated. In summary, the available evidence is currently insufficient to determine the role of this variant in disease. Therefore, it has been classified as a Variant of Uncertain Significance.

NM_020964.3(EPG5):c.4480G>A (p.Glu1494Lys)

Gene: EPG5 (ectopic P-granules 5 autophagy tethering factor; minus strand). Cytogenetic location: 18q21.1.
Variant type: single nucleotide variant.
Coding change: c.4480G>A on transcript NM_020964.3 (MANE Select); coding-DNA position 4480, G replaced by A.
Protein change: p.Glu1494Lys; replaces glutamic acid 1494 with lysine.
Molecular consequence: missense variant.
Genome position (GRCh38, 1-based): chr18:45,901,162, C>T on the plus strand (G>A on the coding strand, the complement: EPG5 is on the minus strand). VCF-style: chr18-45901162-C-T. GRCh37 (hg19) VCF-style: chr18-43481127-C-T.
Other names: c.4480G>A, p.Glu1494Lys (NM_001410858.1, NM_001410859.1); c.4480G>A (NM_020964.2); short protein forms E1494K.
Identifiers: ClinVar variation 1917812 (VCV001917812.3), dbSNP rs771727510, ClinGen allele CA8948844.
Genomic context (GRCh38, chr18:45,901,162, plus strand): 5'-GGTGCAGAGCAAGGGGAGGCTGGGGAGCCTCATGCTTCCGCAAGTTACTTAAAACCCTTT[C>T]TTTAGCTGAAAGAAAATTAAGTCATATATACTGAGCAATCAGGTGAATTAGCAGGAGAAC-3'
Protein context (NP_066015.2, residues 1484-1504): LDFTDPLLAK[Glu1494Lys]RVLSNLRKHE